The following is an entry in ClinVar:

ClinVar aggregate classification (germline): Pathogenic (1 of 4 stars; one submission).

Conditions:
Spastic paraplegia. Identifiers: MedGen C0037772, HP:0001258.

Submission:

Labcorp Genetics (formerly Invitae), Labcorp
Classification: Pathogenic for Spastic paraplegia. Last evaluated: 2024-12-07. Review status: criteria provided, single submitter. Criteria: Invitae Variant Classification Sherloc (09022015). Collection method: clinical testing. Allele origin: germline.
Comment: This sequence change creates a premature translational stop signal (p.Ser121Profs*15) in the AP4E1 gene. It is expected to result in an absent or disrupted protein product. Loss-of-function variants in AP4E1 are known to be pathogenic (PMID: 21620353, 21937992, 23472171). This variant is not present in population databases (gnomAD no frequency). This variant has not been reported in the literature in individuals affected with AP4E1-related conditions. For these reasons, this variant has been classified as Pathogenic.

Literature cited by the submitters: PubMed 21620353; PubMed 21937992; PubMed 23472171.

NM_007347.5(AP4E1):c.361del (p.Ser121fs)

Gene: AP4E1 (adaptor related protein complex 4 subunit epsilon 1; plus strand). Cytogenetic location: 15q21.2.
Variant type: Deletion.
Coding change: c.361del on transcript NM_007347.5 (MANE Select); coding-DNA position 361, one base deleted (T; older notation c.361delT).
Protein change: p.Ser121fs; shifts the reading frame from serine 121.
Molecular consequence: frameshift variant.
Genome position (GRCh38, 1-based): chr15:50,923,945, T deleted; the last of 3 consecutive T bases (chr15:50,923,943-50,923,945); deleting any one gives the same sequence. VCF-style (leftmost placement, unchanged base first): chr15-50923942-GT-G. GRCh37 (hg19) VCF-style: chr15-51216139-GT-G.
Other names: c.136del, p.Ser46fs (NM_001252127.2); short protein forms S46fs, S121fs.
Identifiers: ClinVar variation 3668711 (VCV003668711.2).
Genomic context (GRCh38, chr15:50,923,942, plus strand): 5'-AGTCTGTTTTTGGTAGTTAGTAATCAGACTTTTCCCTCAACTTTTATAGGTTATTTGGCT[GT>G]TTCCTTATTTCTACATGAAAGTCATGAATTATTGCTTCTCCTTGTGAATACAGTTGTAAA-3'